The following is an entry in ClinVar:

ClinVar aggregate classification (germline): Uncertain significance (1 of 4 stars; one submission).

Submission:

GeneDx
Classification: Uncertain significance. Last evaluated: 2023-02-24. Review status: criteria provided, single submitter. Criteria: GeneDx Variant Classification Process June 2021. Collection method: clinical testing. Allele origin: germline. Affected: yes.
Comment: Not observed at significant frequency in large population cohorts (gnomAD); In silico analysis supports that this missense variant has a deleterious effect on protein structure/function; Has not been previously published as pathogenic or benign to our knowledge

NM_003238.6(TGFB2):c.1229C>G (p.Ser410Cys)

Gene: TGFB2 (transforming growth factor beta 2; plus strand). Cytogenetic location: 1q41.
Variant type: single nucleotide variant.
Coding change: c.1229C>G on transcript NM_003238.6 (MANE Select); coding-DNA position 1229, C replaced by G.
Protein change: p.Ser410Cys; replaces serine 410 with cysteine.
Molecular consequence: missense variant. On other transcripts: non-coding transcript variant (2).
Genome position (GRCh38, 1-based): chr1:218,441,346, C>G. VCF-style: chr1-218441346-C-G. GRCh37 (hg19) VCF-style: chr1-218614688-C-G.
Other names: c.1313C>G, p.Ser438Cys (NM_001135599.4); short protein forms S410C, S438C.
Identifiers: ClinVar variation 2430647 (VCV002430647.1), dbSNP rs2464890412, ClinGen allele CA344728072.